The following is an entry in ClinVar:

NM_031220.4(PITPNM3):c.1258+4G>A

Gene: PITPNM3 (PITPNM family member 3; minus strand). Cytogenetic location: 17p13.2.
Variant type: single nucleotide variant.
Coding change: c.1258+4G>A on transcript NM_031220.4 (MANE Select); 4 bases into the intron after coding-DNA position 1258, G replaced by A.
Molecular consequence: intron variant.
Genome position (GRCh38, 1-based): chr17:6,474,428, C>T on the plus strand (G>A on the coding strand, the complement: PITPNM3 is on the minus strand). VCF-style: chr17-6474428-C-T. GRCh37 (hg19) VCF-style: chr17-6377748-C-T.
Other names: c.1150+4G>A (NM_001165966.2).
Identifiers: ClinVar variation 837888 (VCV000837888.11), dbSNP rs1905202911, ClinGen allele CA916083525.

ClinVar aggregate classification (germline): Uncertain significance (1 of 4 stars; one submission).

gnomAD v4.1: 1 of 1,613,078 alleles (0.000062%); highest among the groups gnomAD compares: Non-Finnish European, 0.000085%; no homozygotes.

Submission:

Labcorp Genetics (formerly Invitae), Labcorp
Classification: Uncertain significance. Last evaluated: 2022-07-19. Review status: criteria provided, single submitter. Criteria: Invitae Variant Classification Sherloc (09022015). Collection method: clinical testing. Allele origin: germline.
Comment: In summary, the available evidence is currently insufficient to determine the role of this variant in disease. Therefore, it has been classified as a Variant of Uncertain Significance. Variants that disrupt the consensus splice site are a relatively common cause of aberrant splicing (PMID: 17576681, 9536098). Algorithms developed to predict the effect of sequence changes on RNA splicing suggest that this variant is not likely to affect RNA splicing. ClinVar contains an entry for this variant (Variation ID: 837888). This variant has not been reported in the literature in individuals affected with PITPNM3-related conditions. This variant is not present in population databases (gnomAD no frequency). This sequence change falls in intron 10 of the PITPNM3 gene. It does not directly change the encoded amino acid sequence of the PITPNM3 protein. It affects a nucleotide within the consensus splice site.

Literature cited by the submitters: PubMed 17576681; PubMed 9536098.